The following is an entry in ClinVar:

NM_001365902.3(NFIX):c.446G>C (p.Arg149Pro)

Gene: NFIX (nuclear factor I X; plus strand). Cytogenetic location: 19p13.13.
Variant type: single nucleotide variant.
Coding change: c.446G>C on transcript NM_001365902.3 (MANE Select); coding-DNA position 446, G replaced by C.
Protein change: p.Arg149Pro; replaces arginine 149 with proline.
Molecular consequence: missense variant.
Genome position (GRCh38, 1-based): chr19:13,025,439, G>C. VCF-style: chr19-13025439-G-C. GRCh37 (hg19) VCF-style: chr19-13136253-G-C.
Other names: c.470G>C, p.Arg157Pro (NM_001271043.2); c.422G>C, p.Arg141Pro (NM_001271044.3, NM_001378404.1); c.446G>C, p.Arg149Pro (NM_001365982.2, NM_002501.4); c.305G>C, p.Arg102Pro (NM_001365983.2); c.443G>C, p.Arg148Pro (NM_001365984.2, NM_001365985.2); c.494G>C, p.Arg165Pro (NM_001378405.1); short protein forms R165P, R102P, R141P, R148P, R157P, R149P.
Identifiers: ClinVar variation 1029271 (VCV001029271.1), dbSNP rs2013261187, ClinGen allele CA404315313.

ClinVar aggregate classification (germline): Uncertain significance (1 of 4 stars; one submission).

Conditions:
Malan overgrowth syndrome (MALNS). Also called: Sotos syndrome 2; MALAN SYNDROME; NFIX-Related Malan Syndrome. Identifiers: Orphanet 420179, MedGen C3553660, MONDO:0013885, OMIM 614753.

Submission:

Baylor Genetics
Classification: Uncertain significance for Malan overgrowth syndrome. Last evaluated: 2020-10-01. Review status: criteria provided, single submitter. Criteria: ACMG Guidelines, 2015. Collection method: clinical testing. Allele origin: unknown. Affected: yes.
Comment: This variant was determined to be of uncertain significance according to ACMG Guidelines, 2015 [PMID:25741868].